The following is an entry in ClinVar:

ClinVar aggregate classification (germline): Pathogenic (1 of 4 stars; one submission).

Conditions:
Primary ciliary dyskinesia. Also called: Ciliary dyskinesia. Identifiers: Orphanet 244, MedGen C0008780, MONDO:0016575, HP:0012265.

Submission:

Labcorp Genetics (formerly Invitae), Labcorp
Classification: Pathogenic for Primary ciliary dyskinesia. Last evaluated: 2024-10-26. Review status: criteria provided, single submitter. Criteria: Invitae Variant Classification Sherloc (09022015). Collection method: clinical testing. Allele origin: germline.
Comment: This sequence change creates a premature translational stop signal (p.Glu577Lysfs*8) in the RPGR gene. It is expected to result in an absent or disrupted protein product. Loss-of-function variants in RPGR are known to be pathogenic (PMID: 16055928, 16969763). This variant is not present in population databases (gnomAD no frequency). This variant has not been reported in the literature in individuals affected with RPGR-related conditions. For these reasons, this variant has been classified as Pathogenic.

Literature cited by the submitters: PubMed 16055928; PubMed 16969763.

NM_001034853.2(RPGR):c.1729del (p.Glu577fs)

Gene: RPGR (retinitis pigmentosa GTPase regulator; minus strand). Cytogenetic location: Xp11.4.
Variant type: Deletion.
Coding change: c.1729del on transcript NM_001034853.2 (MANE Select); coding-DNA position 1729, one base deleted (G; older notation c.1729delG).
Protein change: p.Glu577fs; shifts the reading frame from glutamic acid 577.
Molecular consequence: frameshift variant. On other transcripts: non-coding transcript variant (1), intron variant (5).
Genome position (GRCh38, 1-based): chrX:38,287,885, C deleted on the plus strand (G on the coding strand, the reverse complement: RPGR is on the minus strand). VCF-style (leftmost placement, unchanged base first): chrX-38287884-TC-T. GRCh37 (hg19) VCF-style: chrX-38147137-TC-T.
Other names: c.1729del, p.Glu577fs (NM_000328.3); c.1726del, p.Glu576fs (NM_001367245.1); c.1543del, p.Glu515fs (NM_001367246.1); c.1569+3074del (NM_001367249.1, NM_001367250.1); c.1386+3074del (NM_001367251.1); c.1572+3074del (NM_001367247.1); c.1602+3074del (NM_001367248.1); short protein forms E515fs, E577fs, E576fs.
Identifiers: ClinVar variation 3723833 (VCV003723833.2).